The following is an entry in ClinVar:

NM_025009.5(CEP135):c.113+5A>G

Gene: CEP135 (centrosomal protein 135; plus strand). Cytogenetic location: 4q12.
Variant type: single nucleotide variant.
Coding change: c.113+5A>G on transcript NM_025009.5 (MANE Select); 5 bases into the intron after coding-DNA position 113, A replaced by G.
Molecular consequence: intron variant.
Genome position (GRCh38, 1-based): chr4:55,952,248, A>G. VCF-style: chr4-55952248-A-G. GRCh37 (hg19) VCF-style: chr4-56818414-A-G.
Identifiers: ClinVar variation 2128841 (VCV002128841.4), dbSNP rs1232405096, ClinGen allele CA551394399.

ClinVar aggregate classification (germline): Uncertain significance (1 of 4 stars; one submission).

gnomAD v4.1: 3 of 1,538,910 alleles (0.00019%); highest among the groups gnomAD compares: Non-Finnish European, 0.00027%; no homozygotes.

Submission:

Labcorp Genetics (formerly Invitae), Labcorp
Classification: Uncertain significance. Last evaluated: 2022-07-03. Review status: criteria provided, single submitter. Criteria: Invitae Variant Classification Sherloc (09022015). Collection method: clinical testing. Allele origin: germline.
Comment: Variants that disrupt the consensus splice site are a relatively common cause of aberrant splicing (PMID: 17576681, 9536098). Algorithms developed to predict the effect of sequence changes on RNA splicing suggest that this variant is not likely to affect RNA splicing. In summary, the available evidence is currently insufficient to determine the role of this variant in disease. Therefore, it has been classified as a Variant of Uncertain Significance. This variant has not been reported in the literature in individuals affected with CEP135-related conditions. This variant is present in population databases (no rsID available, gnomAD 0.007%). This sequence change falls in intron 2 of the CEP135 gene. It does not directly change the encoded amino acid sequence of the CEP135 protein. It affects a nucleotide within the consensus splice site.

Literature cited by the submitters: PubMed 17576681; PubMed 9536098.